The following is an entry in ClinVar:

ClinVar aggregate classification (germline): Uncertain significance (1 of 4 stars; one submission).

Conditions:
Hereditary cancer-predisposing syndrome. Also called: Tumor predisposition; Hereditary neoplastic syndrome; Hereditary Cancer Syndrome; Neoplastic Syndromes, Hereditary. Identifiers: Orphanet 140162, MedGen C0027672, MeSH D009386, MONDO:0015356.

Submissions (2):

Ambry Genetics
Classification: Uncertain significance for Hereditary cancer-predisposing syndrome. Last evaluated: 2025-04-18. Review status: criteria provided, single submitter. Criteria: Ambry Variant Classification Scheme 2023. Collection method: clinical testing. Allele origin: germline.
Comment: The c.4291-3C>T intronic variant results from a C to T substitution 3 nucleotides upstream from coding exon 34 in the POLE gene. This nucleotide position is poorly conserved in available vertebrate species. In silico splice site analysis predicts that this alteration will not have any significant effect on splicing. Based on the available evidence, the clinical significance of this variant remains unclear.

Dr. Peter K. Rogan Lab, Western University
No classification provided (evidence only). Condition: Melanoma. Review status: no classification provided. Collection method: in vitro. Allele origin: not applicable. Functional consequence: retained intron. Not counted in ClinVar's aggregate classification.

NM_006231.4(POLE):c.4291-3C>T

Gene: POLE (DNA polymerase epsilon, catalytic subunit; minus strand). Cytogenetic location: 12q24.33.
Variant type: single nucleotide variant.
Coding change: c.4291-3C>T on transcript NM_006231.4 (MANE Select); 3 bases into the intron before coding-DNA position 4291, C replaced by T.
Molecular consequence: intron variant.
Genome position (GRCh38, 1-based): chr12:132,643,563, G>A on the plus strand (C>T on the coding strand, the complement: POLE is on the minus strand). VCF-style: chr12-132643563-G-A. GRCh37 (hg19) VCF-style: chr12-133220149-G-A.
Other names: NC_000012.11:g.133220149G>A.
Identifiers: ClinVar variation 3935711 (VCV003935711.2).